The following is an entry in ClinVar:

ClinVar aggregate classification (germline): Conflicting classifications of pathogenicity. Review status: criteria provided, conflicting classifications (1 of 4 stars). 2 submissions from 2 submitters: Uncertain significance (1); Likely benign (1). Last evaluated 2024-06-11.

Conditions:
Hereditary cancer-predisposing syndrome. Also called: Neoplastic Syndromes, Hereditary; Hereditary neoplastic syndrome; Tumor predisposition; Hereditary Cancer Syndrome. Identifiers: Orphanet 140162, MedGen C0027672, MeSH D009386, MONDO:0015356.
Renal cell carcinoma. Identifiers: Orphanet 217071, MedGen C0007134, MeSH D002292, MONDO:0005086, HP:0005584.

gnomAD v4.1: 1 of 1,614,120 alleles (0.000062%); highest among the groups gnomAD compares: African/African-American, 0.0013%; no homozygotes.

Submissions (2):

Ambry Genetics
Classification: Likely benign for Hereditary cancer-predisposing syndrome. Last evaluated: 2024-06-11. Review status: criteria provided, single submitter. Criteria: Ambry Variant Classification Scheme 2023. Collection method: clinical testing. Allele origin: germline.

Labcorp Genetics (formerly Invitae), Labcorp
Classification: Uncertain significance for Renal cell carcinoma. Last evaluated: 2020-09-09. Review status: criteria provided, single submitter. Criteria: Invitae Variant Classification Sherloc (09022015). Collection method: clinical testing. Allele origin: germline.
Comment: Algorithms developed to predict the effect of missense changes on protein structure and function (SIFT, PolyPhen-2, Align-GVGD) all suggest that this variant is likely to be tolerated, but these predictions have not been confirmed by published functional studies and their clinical significance is uncertain. This variant has not been reported in the literature in individuals with MET-related disease. This variant is not present in population databases (ExAC no frequency). This sequence change replaces threonine with lysine at codon 495 of the MET protein (p.Thr495Lys). The threonine residue is weakly conserved and there is a moderate physicochemical difference between threonine and lysine. In summary, the available evidence is currently insufficient to determine the role of this variant in disease. Therefore, it has been classified as a Variant of Uncertain Significance.

NM_000245.4(MET):c.1484C>A (p.Thr495Lys)

Gene: MET (MET proto-oncogene, receptor tyrosine kinase; plus strand). Cytogenetic location: 7q31.2.
Variant type: single nucleotide variant.
Coding change: c.1484C>A on transcript NM_000245.4 (MANE Select); coding-DNA position 1484, C replaced by A.
Protein change: p.Thr495Lys; replaces threonine 495 with lysine.
Molecular consequence: missense variant.
Genome position (GRCh38, 1-based): chr7:116,740,041, C>A. VCF-style: chr7-116740041-C-A. GRCh37 (hg19) VCF-style: chr7-116380095-C-A.
Other names: c.1484C>A, p.Thr495Lys (NM_001127500.3, NM_001324401.3); c.194C>A, p.Thr65Lys (NM_001324402.2); short protein forms T495K, T65K.
Identifiers: ClinVar variation 524863 (VCV000524863.11), dbSNP rs45585831, ClinGen allele CA368974206.
Genomic context (GRCh38, chr7:116,740,041, plus strand): 5'-CTCATGTGAATTTTCTCCTGGACTCCCATCCAGTGTCTCCAGAAGTGATTGTGGAGCATA[C>A]ATTAAACCAAAATGGCTACACACTGGTTATCACTGGGAAGAAGGTAAGCTGTTCCCACAG-3'
Protein context (NP_000236.2, residues 485-505): PVSPEVIVEH[Thr495Lys]LNQNGYTLVI